The following is an entry in ClinVar:

NM_006397.3(RNASEH2A):c.856C>T (p.Arg286Ter)

Gene: RNASEH2A (ribonuclease H2 subunit A; plus strand). Cytogenetic location: 19p13.13.
Variant type: single nucleotide variant.
Coding change: c.856C>T on transcript NM_006397.3 (MANE Select); coding-DNA position 856, C replaced by T.
Protein change: p.Arg286Ter; replaces arginine 286 with a stop codon.
Molecular consequence: nonsense.
Genome position (GRCh38, 1-based): chr19:12,813,422, C>T. VCF-style: chr19-12813422-C-T. GRCh37 (hg19) VCF-style: chr19-12924236-C-T.
Other names: short protein forms R286*.
Identifiers: ClinVar variation 1058814 (VCV001058814.7), dbSNP rs1286615636, ClinGen allele CA404269935.
Genomic context (GRCh38, chr19:12,813,422, plus strand): 5'-AGGAAGATCACATCCTACTTCCTCAATGAAGGGTCCCAAGCCCGTCCCCGTTCTTCCCAC[C>T]GATATTTCCTGGAACGCGGCCTGGAGTCAGCAACCAGCCTCTAGCAGCTGCCTCTACGCG-3'

ClinVar aggregate classification (germline): Uncertain significance (1 of 4 stars; one submission).

Conditions:
Aicardi-Goutieres syndrome 4. Identifiers: Orphanet 51, MedGen C1835912, MONDO:0012472, OMIM 610333.

Allele frequency attached by ClinVar (database versions not stated): TOPMed below 0.00001; gnomAD 0.00001.
gnomAD v4.1: 9 of 1,613,992 alleles (0.00056%); highest among the groups gnomAD compares: African/African-American, 0.0053%; no homozygotes.

Submission:

Labcorp Genetics (formerly Invitae), Labcorp
Classification: Uncertain significance for Aicardi-Goutieres syndrome 4. Last evaluated: 2022-05-31. Review status: criteria provided, single submitter. Criteria: Invitae Variant Classification Sherloc (09022015). Collection method: clinical testing. Allele origin: germline.
Comment: This sequence change creates a premature translational stop signal (p.Arg286*) in the RNASEH2A gene. While this is not anticipated to result in nonsense mediated decay, it is expected to disrupt the last 14 amino acid(s) of the RNASEH2A protein. This variant is present in population databases (no rsID available, gnomAD 0.01%). This variant has not been reported in the literature in individuals affected with RNASEH2A-related conditions. ClinVar contains an entry for this variant (Variation ID: 1058814). Experimental studies and prediction algorithms are not available or were not evaluated, and the functional significance of this variant is currently unknown. In summary, the available evidence is currently insufficient to determine the role of this variant in disease. Therefore, it has been classified as a Variant of Uncertain Significance.